The following is an entry in ClinVar:

NM_001099403.2(PRDM8):c.1441G>C (p.Gly481Arg)

Gene: PRDM8 (PR/SET domain 8; plus strand). Cytogenetic location: 4q21.21.
Variant type: single nucleotide variant.
Coding change: c.1441G>C on transcript NM_001099403.2 (MANE Select); coding-DNA position 1441, G replaced by C.
Protein change: p.Gly481Arg; replaces glycine 481 with arginine.
Molecular consequence: missense variant.
Genome position (GRCh38, 1-based): chr4:80,202,903, G>C. VCF-style: chr4-80202903-G-C. GRCh37 (hg19) VCF-style: chr4-81124057-G-C.
Other names: c.1441G>C, p.Gly481Arg (NM_020226.4); short protein forms G481R.
Identifiers: ClinVar variation 2151054 (VCV002151054.4), dbSNP rs1182938860, ClinGen allele CA357400802.
Genomic context (GRCh38, chr4:80,202,903, plus strand): 5'-ACTTCGGTGCCGCAGCTGGGCAGCGCGGGCAGCACCAGCGGTGGGGGCGGAACGGGCGCC[G>C]GGGCCGCAGGCGGCGCGGGCGGGGGCCAGGGCGCCGCGTCGGACGAGCGCAAAAGCGCCT-3'
Protein context (NP_001092873.1, residues 471-491): STSGGGGTGA[Gly481Arg]AAGGAGGGQG

ClinVar aggregate classification (germline): Uncertain significance (1 of 4 stars; one submission).

Conditions:
Early-onset Lafora body disease. Also called: Epilepsy, progressive myoclonic, 10. Identifiers: Orphanet 324290, MedGen C4225258, MONDO:0014717, OMIM 616640.

Allele frequency attached by ClinVar (database versions not stated): gnomAD 0.00001.
gnomAD v4.1: 9 of 1,331,922 alleles (0.00068%); highest among the groups gnomAD compares: Non-Finnish European, 0.00086%; no homozygotes.

Submission:

Labcorp Genetics (formerly Invitae), Labcorp
Classification: Uncertain significance for Early-onset Lafora body disease. Last evaluated: 2024-02-24. Review status: criteria provided, single submitter. Criteria: Invitae Variant Classification Sherloc (09022015). Collection method: clinical testing. Allele origin: germline.
Comment: This sequence change replaces glycine, which is neutral and non-polar, with arginine, which is basic and polar, at codon 481 of the PRDM8 protein (p.Gly481Arg). This variant is not present in population databases (gnomAD no frequency). This variant has not been reported in the literature in individuals affected with PRDM8-related conditions. ClinVar contains an entry for this variant (Variation ID: 2151054). An algorithm developed to predict the effect of missense changes on protein structure and function (PolyPhen-2) suggests that this variant is likely to be disruptive. In summary, the available evidence is currently insufficient to determine the role of this variant in disease. Therefore, it has been classified as a Variant of Uncertain Significance.